The following is an entry in ClinVar:

ClinVar aggregate classification (germline): Uncertain significance (1 of 4 stars; one submission).

Conditions:
Hypertrophic cardiomyopathy. Also called: HYPERTROPHIC MYOCARDIOPATHY. Identifiers: Orphanet 217569, MedGen C0007194, MeSH D002312, MONDO:0005045, HP:0001639.

Allele frequency attached by ClinVar (database versions not stated): ExAC 0.00001; gnomAD exomes 0.00001; gnomAD 0.00005; TOPMed 0.00006; ESP Exome Variant Server 0.00008.
gnomAD v4.1: 10 of 1,613,708 alleles (0.00062%); highest among the groups gnomAD compares: African/African-American, 0.011%; no homozygotes.

Submission:

Labcorp Genetics (formerly Invitae), Labcorp
Classification: Uncertain significance for Hypertrophic cardiomyopathy. Last evaluated: 2025-06-12. Review status: criteria provided, single submitter. Criteria: Invitae Variant Classification Sherloc (09022015). Collection method: clinical testing. Allele origin: germline.
Comment: This sequence change falls in intron 17 of the MYOM1 gene. It does not directly change the encoded amino acid sequence of the MYOM1 protein. It affects a nucleotide within the consensus splice site. The frequency data for this variant in the population databases is considered unreliable, as metrics indicate poor data quality at this position in the gnomAD database. This variant has not been reported in the literature in individuals affected with MYOM1-related conditions. ClinVar contains an entry for this variant (Variation ID: 2428007). Variants that disrupt the consensus splice site are a relatively common cause of aberrant splicing (PMID: 17576681, 9536098). Algorithms developed to predict the effect of sequence changes on RNA splicing suggest that this variant is not likely to affect RNA splicing. In summary, the available evidence is currently insufficient to determine the role of this variant in disease. Therefore, it has been classified as a Variant of Uncertain Significance.

Literature cited by the submitters: PubMed 17576681; PubMed 9536098.

NM_003803.4(MYOM1):c.2506+4A>G

Gene: MYOM1 (myomesin 1; minus strand). Cytogenetic location: 18p11.31.
Variant type: single nucleotide variant.
Coding change: c.2506+4A>G on transcript NM_003803.4 (MANE Select); 4 bases into the intron after coding-DNA position 2506, A replaced by G.
Molecular consequence: intron variant.
Genome position (GRCh38, 1-based): chr18:3,131,371, T>C on the plus strand (A>G on the coding strand, the complement: MYOM1 is on the minus strand). VCF-style: chr18-3131371-T-C. GRCh37 (hg19) VCF-style: chr18-3131369-T-C.
Other names: c.2506+4A>G (NM_019856.2).
Identifiers: ClinVar variation 2428007 (VCV002428007.5), dbSNP rs376166841, ClinGen allele CA8874625.